The following is an entry in ClinVar:

ClinVar aggregate classification (germline): Uncertain significance. Review status: criteria provided, multiple submitters, no conflicts (2 of 4 stars). 2 submissions from 2 submitters: Uncertain significance (2). Last evaluated 2024-07-23.

Conditions:
Hereditary cancer-predisposing syndrome. Also called: Tumor predisposition; Hereditary neoplastic syndrome; Hereditary Cancer Syndrome; Neoplastic Syndromes, Hereditary. Identifiers: Orphanet 140162, MedGen C0027672, MeSH D009386, MONDO:0015356.
Familial adenomatous polyposis 1 (FAP1). Also called: FAMILIAL ADENOMATOUS POLYPOSIS 1, ATTENUATED; POLYPOSIS, ADENOMATOUS INTESTINAL. Identifiers: MedGen C2713442, MONDO:0021056, OMIM 175100. Disease mechanism: loss of function.

Submissions (2):

Ambry Genetics
Classification: Uncertain significance for Hereditary cancer-predisposing syndrome. Last evaluated: 2024-07-23. Review status: criteria provided, single submitter. Criteria: Ambry Variant Classification Scheme 2023. Collection method: clinical testing. Allele origin: germline.
Comment: The c.27_29delGTT variant (also known as p.L10del) is located in coding exon 1 of the APC gene. This variant results from an in-frame GTT deletion at nucleotide positions 27 to 29. This results in the in-frame deletion of a leucine at codon 10. This amino acid position is highly conserved in available vertebrate species. In addition, this alteration is predicted to be deleterious by in silico analysis (Choi Y et al. PLoS ONE. 2012; 7(10):e46688). Based on the available evidence, the clinical significance of this variant remains unclear.

Labcorp Genetics (formerly Invitae), Labcorp
Classification: Uncertain significance for Familial adenomatous polyposis 1. Last evaluated: 2023-12-31. Review status: criteria provided, single submitter. Criteria: Invitae Variant Classification Sherloc (09022015). Collection method: clinical testing. Allele origin: germline.
Comment: This variant, c.27_29del, results in the deletion of 1 amino acid(s) of the APC protein (p.Leu10del), but otherwise preserves the integrity of the reading frame. This variant is not present in population databases (gnomAD no frequency). This variant has not been reported in the literature in individuals affected with APC-related conditions. Experimental studies and prediction algorithms are not available or were not evaluated, and the functional significance of this variant is currently unknown. In summary, the available evidence is currently insufficient to determine the role of this variant in disease. Therefore, it has been classified as a Variant of Uncertain Significance.

NM_000038.6(APC):c.24GTT[1] (p.Leu10del)

Gene: APC (APC regulator of Wnt signaling pathway; plus strand). Cytogenetic location: 5q22.2.
Variant type: Microsatellite.
Coding change: c.24GTT[1] on transcript NM_000038.6 (MANE Select); one copy of the 3-base unit GTT starting at c.24; the reference has two copies in a row; one copy, 3 bases deleted.
Protein change: p.Leu10del; deletes leucine 10.
Molecular consequence: inframe deletion. On other transcripts: 5 prime UTR variant (4), non-coding transcript variant (2), intron variant (11).
Genome position (GRCh38, 1-based): chr5:112,754,917-112,754,919, GTT deleted; deleting any 3 consecutive bases within chr5:112,754,914-112,754,919 gives the same sequence; the position shown is the placement nearest the transcript's 3' end. VCF-style (leftmost placement, unchanged base first): chr5-112754913-AGTT-A. GRCh37 (hg19) VCF-style: chr5-112090610-AGTT-A.
Other names: c.24GTT[1], p.Leu10del (NM_001127510.3, NM_001354895.2, NM_001354896.2 and 16 more transcripts); c.-1012GTT[1] (NM_001354906.2, NM_001407470.1, NM_001407471.1 and 1 more transcripts); c.166-11409_166-11407del (NM_001407446.1, NM_001354897.2, NM_001354902.2 and 1 more transcripts); c.-42-11409_-42-11407del (NM_001407453.1, NM_001354900.2, NM_001354901.2 and 1 more transcripts); c.61-11409_61-11407del (NM_001407451.1, NM_001354898.2, NM_001354904.2); c.27_29delGTT (NM_000038.5); short protein forms L10del.
Identifiers: ClinVar variation 2980417 (VCV002980417.4), dbSNP rs2532134823, ClinGen allele CA2740094010.